The following is an entry in ClinVar:

ClinVar aggregate classification (germline): Uncertain significance (1 of 4 stars; one submission).

Conditions:
Epidermolysis bullosa simplex 5B, with muscular dystrophy (EBS5B). Also called: Epidermolysis bullosa simplex with muscular dystrophy; EPIDERMOLYSIS BULLOSA SIMPLEX AND LIMB-GIRDLE MUSCULAR DYSTROPHY. Identifiers: Orphanet 257, MedGen C2931072, MONDO:0009181, OMIM 226670.
Epidermolysis bullosa simplex, Ogna type (EBS5A). Also called: Pidermolysis bullosa simplex 5A, Ogna type; EPIDERMOLYSIS BULLOSA SIMPLEX 5A, OGNA TYPE. Identifiers: Orphanet 79401, MedGen C0432317, MONDO:0007555, OMIM 131950.
Epidermolysis bullosa simplex 5C, with pyloric atresia (EBS5C). Also called: PLEC-Related Epidermolysis Bullosa with Pyloric Atresia; Epidermolysis bullosa simplex with pyloric atresia; PLEC1-Related Epidermolysis Bullosa with Pyloric Atresia. Identifiers: Orphanet 158684, MedGen C2677349, MONDO:0012807, OMIM 612138.
Autosomal recessive limb-girdle muscular dystrophy type 2Q (LGMDR17). Also called: MUSCULAR DYSTROPHY, LIMB-GIRDLE, AUTOSOMAL RECESSIVE 17. Identifiers: Orphanet 254361, MedGen C3150989, MONDO:0013390, OMIM 613723.
Epidermolysis bullosa simplex with nail dystrophy (EBS5D). Identifiers: MedGen C4225309, MONDO:0014661, OMIM 616487.

Allele frequency attached by ClinVar (database versions not stated): gnomAD exomes below 0.00001; ExAC 0.00001.
gnomAD v4.1: 1 of 1,613,064 alleles (0.000062%); highest among the groups gnomAD compares: South Asian, 0.0011%; no homozygotes.

Submission:

Labcorp Genetics (formerly Invitae), Labcorp
Classification: Uncertain significance for Autosomal recessive limb-girdle muscular dystrophy type 2Q; Epidermolysis bullosa simplex, Ogna type; Epidermolysis bullosa simplex with nail dystrophy; Epidermolysis bullosa simplex 5C, with pyloric atresia; Epidermolysis bullosa simplex 5B, with muscular dystrophy. Last evaluated: 2022-04-01. Review status: criteria provided, single submitter. Criteria: Invitae Variant Classification Sherloc (09022015). Collection method: clinical testing. Allele origin: germline.
Comment: This sequence change replaces lysine, which is basic and polar, with arginine, which is basic and polar, at codon 2984 of the PLEC protein (p.Lys2984Arg). This variant is present in population databases (rs782462913, gnomAD 0.003%). This variant has not been reported in the literature in individuals affected with PLEC-related conditions. Algorithms developed to predict the effect of missense changes on protein structure and function output the following: SIFT: "Tolerated"; PolyPhen-2: "Benign"; Align-GVGD: "Class C0". The arginine amino acid residue is found in multiple mammalian species, which suggests that this missense change does not adversely affect protein function. In summary, the available evidence is currently insufficient to determine the role of this variant in disease. Therefore, it has been classified as a Variant of Uncertain Significance.

NM_201384.3(PLEC):c.8870A>G (p.Lys2957Arg)

Gene: PLEC (plectin; minus strand). Cytogenetic location: 8q24.3.
Variant type: single nucleotide variant.
Coding change: c.8870A>G on transcript NM_201384.3 (MANE Select); coding-DNA position 8870, A replaced by G.
Protein change: p.Lys2957Arg; replaces lysine 2957 with arginine.
Molecular consequence: missense variant.
Genome position (GRCh38, 1-based): chr8:143,920,951, T>C on the plus strand (A>G on the coding strand, the complement: PLEC is on the minus strand). VCF-style: chr8-143920951-T-C. GRCh37 (hg19) VCF-style: chr8-144995119-T-C.
Other names: c.8951A>G, p.Lys2984Arg (NM_000445.5); c.5570A>G, p.Lys1857Arg (NM_001410941.1); c.8828A>G, p.Lys2943Arg (NM_201378.4); c.8804A>G, p.Lys2935Arg (NM_201379.3); c.9281A>G, p.Lys3094Arg (NM_201380.4); c.8774A>G, p.Lys2925Arg (NM_201381.3); c.8870A>G, p.Lys2957Arg (NM_201382.4); c.8882A>G, p.Lys2961Arg (NM_201383.3); short protein forms K1857R, K2961R, K2925R, K2935R, K2943R, K2984R, K3094R, K2957R.
Identifiers: ClinVar variation 2042465 (VCV002042465.4), dbSNP rs782462913, ClinGen allele CA4925154.